The following is an entry in ClinVar:

NM_032603.5(LOXL3):c.1198C>T (p.Gln400Ter)

Gene: LOXL3 (lysyl oxidase like 3; minus strand). Cytogenetic location: 2p13.1.
Variant type: single nucleotide variant.
Coding change: c.1198C>T on transcript NM_032603.5 (MANE Select); coding-DNA position 1198, C replaced by T.
Protein change: p.Gln400Ter; replaces glutamine 400 with a stop codon.
Molecular consequence: nonsense.
Genome position (GRCh38, 1-based): chr2:74,536,046, G>A on the plus strand (C>T on the coding strand, the complement: LOXL3 is on the minus strand). VCF-style: chr2-74536046-G-A. GRCh37 (hg19) VCF-style: chr2-74763173-G-A.
Other names: c.763C>T, p.Gln255Ter (NM_001289164.3); c.115C>T, p.Gln39Ter (NM_001289165.2); short protein forms Q255*, Q39*, Q400*.
Identifiers: ClinVar variation 2662417 (VCV002662417.2), dbSNP rs2529944469, ClinGen allele CA347388505.

ClinVar aggregate classification (germline): Uncertain significance (1 of 4 stars; one submission).

Submission:

GeneDx
Classification: Uncertain significance. Last evaluated: 2023-12-11. Review status: criteria provided, single submitter. Criteria: GeneDx Variant Classification Process June 2021. Collection method: clinical testing. Allele origin: germline.
Comment: Not observed at significant frequency in large population cohorts (gnomAD); Nonsense variant predicted to result in protein truncation or nonsense mediated decay in a gene or region of a gene for which loss of function is not a well-established mechanism of disease; Has not been previously published as pathogenic or benign to our knowledge